The following is an entry in ClinVar:

NM_002968.3(SALL1):c.2565T>G (p.Pro855=)

Gene: SALL1 (spalt like transcription factor 1; minus strand). Cytogenetic location: 16q12.1.
Variant type: single nucleotide variant.
Coding change: c.2565T>G on transcript NM_002968.3 (MANE Select); coding-DNA position 2565, T replaced by G.
Protein change: p.Pro855=; no amino-acid change (proline 855 retained).
Molecular consequence: synonymous variant.
Genome position (GRCh38, 1-based): chr16:51,139,657, A>C on the plus strand (T>G on the coding strand, the complement: SALL1 is on the minus strand). VCF-style: chr16-51139657-A-C. GRCh37 (hg19) VCF-style: chr16-51173568-A-C.
Other names: c.2274T>G, p.Pro758= (NM_001127892.2); c.2565T>G (NM_002968.2).
Identifiers: ClinVar variation 1582633 (VCV001582633.12), dbSNP rs778734691, ClinGen allele CA8053078.

ClinVar aggregate classification (germline): Likely benign. Review status: criteria provided, multiple submitters, no conflicts (2 of 4 stars). 4 submissions from 4 submitters: Likely benign (3). 1 of the submissions does not count toward it. Last evaluated 2023-09-28.

Conditions:
Townes-Brocks syndrome 1 (TBS1). Also called: REAR SYNDROME; RENAL-EAR-ANAL-RADIAL SYNDROME; SALL1-Related Townes-Brocks Syndrome; DEAFNESS, SENSORINEURAL, WITH IMPERFORATE ANUS AND THUMB ANOMALIES. Identifiers: Orphanet 857, MedGen C4551481, MONDO:0054581, OMIM 107480.
Townes syndrome (TBS). Also called: Townes-Brocks syndrome. Identifiers: Orphanet 857, MedGen C0265246, MeSH C536974, MONDO:0007142.
SALL1-related disorder. Also called: SALL1-related condition.

Allele frequency attached by ClinVar (database versions not stated): gnomAD exomes 0.00002 and 0.00003; TOPMed 0.00003; ExAC 0.00004; gnomAD 0.00004.
gnomAD v4.1: 40 of 1,613,826 alleles (0.0025%); highest among the groups gnomAD compares: Non-Finnish European, 0.003%; 1 homozygote.

Submissions (4):

Blueprint Genetics
Classification: Likely benign. Last evaluated: 2023-09-28. Review status: criteria provided, single submitter. Criteria: ACMG Guidelines, 2015. Collection method: clinical testing. Allele origin: germline.

Fulgent Genetics
Classification: Likely benign for Townes-Brocks syndrome 1. Last evaluated: 2022-03-29. Review status: criteria provided, single submitter. Criteria: ACMG Guidelines, 2015. Collection method: clinical testing. Allele origin: unknown.

Labcorp Genetics (formerly Invitae), Labcorp
Classification: Likely benign for Townes syndrome. Last evaluated: 2022-02-08. Review status: criteria provided, single submitter. Criteria: Invitae Variant Classification Sherloc (09022015). Collection method: clinical testing. Allele origin: germline.

PreventionGenetics, part of Exact Sciences
Classification: Likely benign for SALL1-related condition. Last evaluated: 2023-09-20. Review status: no assertion criteria provided. Collection method: clinical testing. Allele origin: germline. Not counted in ClinVar's aggregate classification.
Comment: This variant is classified as likely benign based on ACMG/AMP sequence variant interpretation guidelines (Richards et al. 2015 PMID: 25741868, with internal and published modifications).